The following is an entry in ClinVar:

NM_000222.3(KIT):c.2554G>A (p.Val852Ile)

Gene: KIT (KIT proto-oncogene, receptor tyrosine kinase; plus strand). Cytogenetic location: 4q12.
Variant type: single nucleotide variant.
Coding change: c.2554G>A on transcript NM_000222.3 (MANE Select); coding-DNA position 2554, G replaced by A.
Protein change: p.Val852Ile; replaces valine 852 with isoleucine.
Molecular consequence: missense variant.
Genome position (GRCh38, 1-based): chr4:54,736,567, G>A. VCF-style: chr4-54736567-G-A. GRCh37 (hg19) VCF-style: chr4-55602733-G-A.
Other names: c.2542G>A, p.Val848Ile (NM_001093772.2, NM_001385292.1); c.2557G>A, p.Val853Ile (NM_001385284.1); c.2551G>A, p.Val851Ile (NM_001385285.1); c.2539G>A, p.Val847Ile (NM_001385286.1); c.2545G>A, p.Val849Ile (NM_001385288.1); c.2554G>A, p.Val852Ile (NM_001385290.1); short protein forms V852I, V848I, V847I, V849I, V851I, V853I.
Identifiers: ClinVar variation 134625 (VCV000134625.23), dbSNP rs555650901, ClinGen allele CA160362.

ClinVar aggregate classification (germline): Conflicting classifications of pathogenicity. Review status: criteria provided, conflicting classifications (1 of 4 stars). 7 submissions from 7 submitters: Uncertain significance (5); Likely benign (1). 1 of the submissions does not count toward it. Last evaluated 2026-06-01.

Conditions:
KIT-related disorder. Also called: KIT-related condition.
Hereditary cancer-predisposing syndrome. Also called: Neoplastic Syndromes, Hereditary; Tumor predisposition; Hereditary Cancer Syndrome; Hereditary neoplastic syndrome. Identifiers: Orphanet 140162, MedGen C0027672, MeSH D009386, MONDO:0015356.
Gastrointestinal stromal tumor. Also called: Gastrointestinal stromal tumor, somatic; Gastrointestinal stroma tumor. Identifiers: Orphanet 44890, MedGen C0238198, MeSH D046152, MONDO:0011719, OMIM 606764, HP:0100723.

Allele frequency attached by ClinVar (database versions not stated): gnomAD 0.00002; gnomAD exomes 0.00002 and 0.00003; TOPMed 0.00002; ExAC 0.00003.
gnomAD v4.1: 54 of 1,613,996 alleles (0.0033%); highest among the groups gnomAD compares: Admixed American, 0.005%; no homozygotes.

Submissions (7):

Myriad Genetics, Inc.
Classification: Likely benign for Gastrointestinal stromal tumor. Last evaluated: 2026-06-01. Review status: criteria provided, single submitter. Criteria: Myriad Autosomal Dominant, Autosomal Recessive and X-Linked Classification Criteria (2023). Collection method: clinical testing. Allele origin: unknown.
Comment: This variant is considered likely benign. This variant has been observed at a population frequency that is significantly greater than expected given the associated disease prevalence and penetrance.

PreventionGenetics, part of Exact Sciences
Classification: Uncertain significance for KIT-related condition. Last evaluated: 2026-03-31. Review status: criteria provided, single submitter. Criteria: ACMG Guidelines, 2015. Collection method: clinical testing. Allele origin: germline.
Comment: The KIT c.2554G>A variant is predicted to result in the amino acid substitution p.Val852Ile. To our knowledge, this variant has not been reported in an individual with KIT-associated conditions. This variant is reported in 0.0035% of alleles in individuals of European (Non-Finnish) descent in gnomAD. It is interpreted as uncertain significance in ClinVar (Variation ID: 134625). At this time, the clinical significance of this variant is uncertain due to the absence of conclusive functional and genetic evidence.

St. Jude Molecular Pathology, St. Jude Children's Research Hospital
Classification: Uncertain significance for Gastrointestinal stromal tumor. Last evaluated: 2026-02-11. Review status: criteria provided, single submitter. Criteria: St. Jude Assertion Criteria 2020. Collection method: clinical testing. Allele origin: germline.
Comment: The KIT c.2554G>A p.(Val852Ile) missense change has a maximum subpopulation frequency of 0.004% in gnomAD v2.1.1. The in silico tool REVEL is inconclusive about a pathogenic or benign effect of this variant on protein function, and to our knowledge functional studies have not been performed. To our knowledge, this variant has not been reported in indivi duals with KIT-related gastrointestinal stromal tumor. In summary, the evidence currently available is insufficient to determine the clinical significance of this variant. It has therefore been classified as of uncertain significance.

Labcorp Genetics (formerly Invitae), Labcorp
Classification: Uncertain significance for Gastrointestinal stromal tumor. Last evaluated: 2026-01-27. Review status: criteria provided, single submitter. Criteria: Invitae Variant Classification Sherloc (09022015). Collection method: clinical testing. Allele origin: germline.
Comment: This sequence change replaces valine, which is neutral and non-polar, with isoleucine, which is neutral and non-polar, at codon 852 of the KIT protein (p.Val852Ile). This variant is present in population databases (rs555650901, gnomAD 0.004%). This variant has not been reported in the literature in individuals affected with KIT-related conditions. ClinVar contains an entry for this variant (Variation ID: 134625). An algorithm developed to predict the effect of missense changes on protein structure and function (PolyPhen-2) suggests that this variant is likely to be disruptive. In summary, the available evidence is currently insufficient to determine the role of this variant in disease. Therefore, it has been classified as a Variant of Uncertain Significance.

Ambry Genetics
Classification: Uncertain significance for Hereditary cancer-predisposing syndrome. Last evaluated: 2024-10-13. Review status: criteria provided, single submitter. Criteria: Ambry Variant Classification Scheme 2023. Collection method: clinical testing. Allele origin: germline.
Comment: The p.V852I variant (also known as c.2554G>A), located in coding exon 18 of the KIT gene, results from a G to A substitution at nucleotide position 2554. The valine at codon 852 is replaced by isoleucine, an amino acid with highly similar properties. This amino acid position is highly conserved in available vertebrate species. In addition, the in silico prediction for this alteration is inconclusive. Since supporting evidence is limited at this time, the clinical significance of this alteration remains unclear.

GeneDx
Classification: Uncertain significance. Last evaluated: 2024-07-05. Review status: criteria provided, single submitter. Criteria: GeneDx Variant Classification Process June 2021. Collection method: clinical testing. Allele origin: germline. Affected: yes.
Comment: Not observed at significant frequency in large population cohorts (gnomAD); In silico analysis indicates that this missense variant does not alter protein structure/function; Observed in an individual from a high-risk colorectal cancer family (PMID: 30256826); This variant is associated with the following publications: (PMID: 24728327, 30256826)

ITMI
No classification provided. Condition: AllHighlyPenetrant. Last evaluated: 2013-09-19. Review status: no classification provided. Collection method: reference population. Allele origin: germline. Not counted in ClinVar's aggregate classification.
Comment: Please see associated publication for description of ethnicities

Literature cited by the submitters: PubMed 24728327 (cited by ITMI).